The following is an entry in ClinVar:

ClinVar aggregate classification (germline): Pathogenic (1 of 4 stars; one submission).

Submission:

Labcorp Genetics (formerly Invitae), Labcorp
Classification: Pathogenic. Last evaluated: 2024-01-30. Review status: criteria provided, single submitter. Criteria: Invitae Variant Classification Sherloc (09022015). Collection method: clinical testing. Allele origin: germline.
Comment: This sequence change creates a premature translational stop signal (p.Pro186Serfs*4) in the ROBO1 gene. It is expected to result in an absent or disrupted protein product. Loss-of-function variants in ROBO1 are known to be pathogenic (PMID: 29194579, 35227688). This variant is not present in population databases (gnomAD no frequency). This variant has not been reported in the literature in individuals affected with ROBO1-related conditions. For these reasons, this variant has been classified as Pathogenic.

Literature cited by the submitters: PubMed 29194579; PubMed 35227688.

NM_002941.4(ROBO1):c.554_555dup (p.Pro186fs)

Gene: ROBO1 (roundabout guidance receptor 1; minus strand). Cytogenetic location: 3p12.3.
Variant type: Microsatellite.
Coding change: c.554_555dup on transcript NM_002941.4 (MANE Select); coding-DNA positions 554 to 555, 2 bases duplicated (AG; older notation c.554_555dupAG).
Protein change: p.Pro186fs; shifts the reading frame from proline 186.
Molecular consequence: frameshift variant.
Genome position (GRCh38, 1-based): chr3:78,746,845-78,746,846, CT duplicated on the plus strand (AG on the coding strand, the reverse complement: ROBO1 is on the minus strand); duplicating any 2 consecutive bases within chr3:78,746,845-78,746,849 gives the same sequence; the c. name uses the placement nearest the transcript's 3' end. VCF-style (leftmost placement, unchanged base first): chr3-78746844-G-GCT. GRCh37 (hg19) VCF-style: chr3-78795994-G-GCT.
Other names: c.434_435GA[3], p.Pro147Serfs (NM_001145844.1); c.437_438dup, p.Pro147fs (NM_001145845.2, NM_133631.4); short protein forms P147fs, P186fs.
Identifiers: ClinVar variation 2698892 (VCV002698892.3), dbSNP rs2545634068, ClinGen allele CA2697556774.